The following is an entry in ClinVar:

NM_014989.7(RIMS1):c.3842T>C (p.Ile1281Thr)

Gene: RIMS1 (regulating synaptic membrane exocytosis 1; plus strand). Cytogenetic location: 6q13.
Variant type: single nucleotide variant.
Coding change: c.3842T>C on transcript NM_014989.7 (MANE Select); coding-DNA position 3842, T replaced by C.
Protein change: p.Ile1281Thr; replaces isoleucine 1281 with threonine.
Molecular consequence: missense variant.
Genome position (GRCh38, 1-based): chr6:72,292,038, T>C. VCF-style: chr6-72292038-T-C. GRCh37 (hg19) VCF-style: chr6-73001741-T-C.
Other names: c.1808T>C, p.Ile603Thr (NM_001350418.2); c.1577T>C, p.Ile526Thr (NM_001350419.2, NM_001350423.2, NM_001350444.2); c.1640T>C, p.Ile547Thr (NM_001350432.2); c.1889T>C, p.Ile630Thr (NM_001350433.2); c.1880T>C, p.Ile627Thr (NM_001350434.2); c.1751T>C, p.Ile584Thr (NM_001350435.2); c.1994T>C, p.Ile665Thr (NM_001350436.2); c.1745T>C, p.Ile582Thr (NM_001350437.2); and 31 more; short protein forms I1281T, I470T, I496T, I551T, I563T, I571T, I577T, I578T.
Identifiers: ClinVar variation 2983632 (VCV002983632.3), dbSNP rs2093466531, ClinGen allele CA364689744.
Genomic context (GRCh38, chr6:72,292,038, plus strand): 5'-CATCGTTCAGCAGTCGCAGGGGAAGACAGCTCCCACAAGTGCCAGTGAGAAGCGGCAGTA[T>C]AGAACAAGGTATCCGATAAAGAGAGATCATTGTCCAAAAATCTTGGATTTGAGAACCTCC-3'
Protein context (NP_055804.2, residues 1271-1291): LPQVPVRSGS[Ile1281Thr]EQASLVVEER

ClinVar aggregate classification (germline): Uncertain significance (1 of 4 stars; one submission).

Allele frequency attached by ClinVar (database versions not stated): gnomAD exomes below 0.00001.
gnomAD v4.1: 1 of 1,550,808 alleles (0.000064%); highest among the groups gnomAD compares: Non-Finnish European, 0.000087%; no homozygotes.

Submission:

Labcorp Genetics (formerly Invitae), Labcorp
Classification: Uncertain significance. Last evaluated: 2023-12-13. Review status: criteria provided, single submitter. Criteria: Invitae Variant Classification Sherloc (09022015). Collection method: clinical testing. Allele origin: germline.
Comment: This sequence change replaces isoleucine, which is neutral and non-polar, with threonine, which is neutral and polar, at codon 1281 of the RIMS1 protein (p.Ile1281Thr). This variant is not present in population databases (gnomAD no frequency). This variant has not been reported in the literature in individuals affected with RIMS1-related conditions. An algorithm developed to predict the effect of missense changes on protein structure and function (PolyPhen-2) suggests that this variant is likely to be tolerated. In summary, the available evidence is currently insufficient to determine the role of this variant in disease. Therefore, it has been classified as a Variant of Uncertain Significance.